The following is an entry in ClinVar:

ClinVar aggregate classification (germline): Conflicting classifications of pathogenicity. Review status: criteria provided, conflicting classifications (1 of 4 stars). 4 submissions from 4 submitters: Uncertain significance (3); Benign (1). Last evaluated 2025-08-10.

Conditions:
Inborn genetic diseases. Identifiers: MedGen C0950123, MeSH D030342.

Allele frequency attached by ClinVar (database versions not stated): TOPMed 0.00005; 1000 Genomes Project 30x 0.00016.
gnomAD v4.1: 49 of 1,536,770 alleles (0.0032%); highest among the groups gnomAD compares: Middle Eastern, 0.017%; no homozygotes.

Submissions (4):

Ambry Genetics
Classification: Uncertain significance for Inborn genetic diseases. Last evaluated: 2025-08-10. Review status: criteria provided, single submitter. Criteria: Ambry Variant Classification Scheme 2023. Collection method: clinical testing. Allele origin: germline.

Revvity Omics, Revvity
Classification: Uncertain significance. Last evaluated: 2024-05-08. Review status: criteria provided, single submitter. Criteria: ACMG Guidelines, 2015. Collection method: clinical testing. Allele origin: germline.

Labcorp Genetics (formerly Invitae), Labcorp
Classification: Benign. Last evaluated: 2024-02-07. Review status: criteria provided, single submitter. Criteria: Invitae Variant Classification Sherloc (09022015). Collection method: clinical testing. Allele origin: germline.

Mayo Clinic Laboratories, Mayo Clinic
Classification: Uncertain significance. Last evaluated: 2023-09-28. Review status: criteria provided, single submitter. Criteria: ACMG Guidelines, 2015. Collection method: clinical testing. Allele origin: germline. Observed: 1 variant allele.
Comment: BP4, PM2_moderate

NM_001142864.4(PIEZO1):c.5720C>T (p.Thr1907Met)

Gene: PIEZO1 (piezo type mechanosensitive ion channel component 1 (Er blood group); minus strand). Cytogenetic location: 16q24.3.
Variant type: single nucleotide variant.
Coding change: c.5720C>T on transcript NM_001142864.4 (MANE Select); coding-DNA position 5720, C replaced by T.
Protein change: p.Thr1907Met; replaces threonine 1907 with methionine.
Molecular consequence: missense variant.
Genome position (GRCh38, 1-based): chr16:88,720,697, G>A on the plus strand (C>T on the coding strand, the complement: PIEZO1 is on the minus strand). VCF-style: chr16-88720697-G-A. GRCh37 (hg19) VCF-style: chr16-88787105-G-A.
Other names: p.Thr1907Met; c.4262C>T, p.Thr1421Met (NM_014745.1); short protein forms T1421M, T1907M.
Identifiers: ClinVar variation 2530338 (VCV002530338.7), dbSNP rs778144394, ClinGen allele CA8231805.